The following is an entry in ClinVar:

ClinVar aggregate classification (germline): Uncertain significance (1 of 4 stars; one submission).

Conditions:
Saldino-Mainzer syndrome (SRTD9). Also called: CONORENAL SYNDROME; Renal dysplasia, retinal pigmentary dystrophy, cerebellar ataxia and skeletal dysplasia; SHORT-RIB THORACIC DYSPLASIA 9 WITHOUT POLYDACTYLY; short-rib thoracic dysplasia 9 with or without polydactyly. Identifiers: Orphanet 140969, MedGen C1849437, MONDO:0009964, OMIM 266920.

Allele frequency attached by ClinVar (database versions not stated): TOPMed 0.00001.
gnomAD v4.1: 1 of 1,614,118 alleles (0.000062%); no homozygotes.

Submission:

Labcorp Genetics (formerly Invitae), Labcorp
Classification: Uncertain significance for Saldino-Mainzer syndrome. Last evaluated: 2022-03-11. Review status: criteria provided, single submitter. Criteria: Invitae Variant Classification Sherloc (09022015). Collection method: clinical testing. Allele origin: germline.
Comment: This variant has not been reported in the literature in individuals affected with IFT140-related conditions. This sequence change replaces proline, which is neutral and non-polar, with serine, which is neutral and polar, at codon 361 of the IFT140 protein (p.Pro361Ser). This variant is present in population databases (no rsID available, gnomAD 0.0009%). Algorithms developed to predict the effect of missense changes on protein structure and function (SIFT, PolyPhen-2, Align-GVGD) all suggest that this variant is likely to be tolerated. In summary, the available evidence is currently insufficient to determine the role of this variant in disease. Therefore, it has been classified as a Variant of Uncertain Significance.

NM_014714.4(IFT140):c.1081C>T (p.Pro361Ser)

Genes: IFT140 (intraflagellar transport 140; minus strand), LOC105371046 (uncharacterized LOC105371046; plus strand). Cytogenetic location: 16p13.3.
Variant type: single nucleotide variant.
Coding change: c.1081C>T on transcript NM_014714.4 (MANE Select); coding-DNA position 1081, C replaced by T.
Protein change: p.Pro361Ser; replaces proline 361 with serine.
Molecular consequence: missense variant.
Genome position (GRCh38, 1-based): chr16:1,586,204, G>A on the plus strand (C>T on the coding strand, the complement: IFT140 is on the minus strand). VCF-style: chr16-1586204-G-A. GRCh37 (hg19) VCF-style: chr16-1636205-G-A.
Other names: short protein forms P361S.
Identifiers: ClinVar variation 2108765 (VCV002108765.4), dbSNP rs1193618147, ClinGen allele CA394215967.
Genomic context (GRCh38, chr16:1,586,204, plus strand): 5'-TGTTTCCTTGGAGCTCGGTAGGGGTCTGAAGGGCCCACCTGTCCTTGCCCTCTGCCCCGG[G>A]GCTGCCCAGGAAGTCTGGTACTTTCCTCCACATGGCTACTCGCCCTCTGTCGGTACCAGC-3'
Protein context (NP_055529.2, residues 351-371): WRKVPDFLGS[Pro361Ser]GAEGKDRWAL